The following is an entry in ClinVar:

NM_024334.3(TMEM43):c.49G>A (p.Val17Ile)

Gene: TMEM43 (transmembrane protein 43; plus strand). Cytogenetic location: 3p25.1.
Variant type: single nucleotide variant.
Coding change: c.49G>A on transcript NM_024334.3 (MANE Select); coding-DNA position 49, G replaced by A.
Protein change: p.Val17Ile; replaces valine 17 with isoleucine.
Molecular consequence: missense variant.
Genome position (GRCh38, 1-based): chr3:14,129,448, G>A. VCF-style: chr3-14129448-G-A. GRCh37 (hg19) VCF-style: chr3-14170948-G-A.
Other names: short protein forms V17I.
Identifiers: ClinVar variation 575697 (VCV000575697.11), dbSNP rs370973153, ClinGen allele CA053974.

ClinVar aggregate classification (germline): Conflicting classifications of pathogenicity. Review status: criteria provided, conflicting classifications (1 of 4 stars). 3 submissions from 3 submitters: Uncertain significance (2); Likely benign (1). Last evaluated 2023-12-13.

Conditions:
Arrhythmogenic right ventricular dysplasia 5. Also called: Arrhythmogenic Right Ventricular Dysplasia/Cardiomyopathy 5; ARRHYTHMOGENIC RIGHT VENTRICULAR DYSPLASIA, FAMILIAL, 5. Identifiers: MedGen C1858379, MONDO:0011459, OMIM 604400.
Cardiovascular phenotype. Identifiers: MedGen CN230736.

Allele frequency attached by ClinVar (database versions not stated): gnomAD exomes below 0.00001 and 0.00001; ExAC 0.00001; ESP Exome Variant Server 0.00008.
gnomAD v4.1: 3 of 1,613,414 alleles (0.00019%); highest among the groups gnomAD compares: East Asian, 0.0022%; no homozygotes.

Submissions (3):

All of Us Research Program, National Institutes of Health
Classification: Uncertain significance for Arrhythmogenic right ventricular dysplasia 5. Last evaluated: 2023-12-13. Review status: criteria provided, single submitter. Criteria: ACMG Guidelines, 2015. Collection method: clinical testing. Allele origin: germline. Inheritance: Autosomal dominant inheritance. Observed: 1 variant allele, 1 heterozygote.
Comment: This missense variant replaces valine with isoleucine at codon 17 of the TMEM43 protein. Computational prediction suggests that this variant may not impact protein structure and function (internally defined REVEL score threshold <= 0.5, PMID: 27666373). To our knowledge, functional studies have not been reported for this variant. This variant has not been reported in individuals affected with TMEM43-related disorders in the literature. This variant has been identified in 2/251428 chromosomes in the general population by the Genome Aggregation Database (gnomAD). The available evidence is insufficient to determine the role of this variant in disease conclusively. Therefore, this variant is classified as a Variant of Uncertain Significance.

This study involves interpretation of variants in research participants for the purpose of population health screening. Participant phenotype was not available at the time of variant classification. Additional details can be found in publication PMID: 35346344, PMCID: PMC8962531

Ambry Genetics
Classification: Likely benign for Cardiovascular phenotype. Last evaluated: 2019-09-30. Review status: criteria provided, single submitter. Criteria: Ambry Variant Classification Scheme 2023. Collection method: clinical testing. Allele origin: germline.

Labcorp Genetics (formerly Invitae), Labcorp
Classification: Uncertain significance for Arrhythmogenic right ventricular dysplasia 5. Last evaluated: 2018-02-01. Review status: criteria provided, single submitter. Criteria: Invitae Variant Classification Sherloc (09022015). Collection method: clinical testing. Allele origin: germline.
Comment: This sequence change replaces valine with isoleucine at codon 17 of the TMEM43 protein (p.Val17Ile). The valine residue is moderately conserved and there is a small physicochemical difference between valine and isoleucine. This variant is present in population databases (rs370973153, ExAC 0.001%). This variant has not been reported in the literature in individuals with TMEM43-related disease. Algorithms developed to predict the effect of missense changes on protein structure and function output the following: SIFT: "Tolerated"; PolyPhen-2: "Benign"; Align-GVGD: "Class C0". The isoleucine amino acid residue is found in multiple mammalian species, suggesting that this missense change does not adversely affect protein function. These predictions have not been confirmed by published functional studies and their clinical significance is uncertain. In summary, the available evidence is currently insufficient to determine the role of this variant in disease. Therefore, it has been classified as a Variant of Uncertain Significance.